The following is an entry in ClinVar:

NM_000276.4(OCRL):c.2694C>T (p.Ser898=)

Gene: OCRL (OCRL inositol polyphosphate-5-phosphatase; plus strand). Cytogenetic location: Xq26.1.
Variant type: single nucleotide variant.
Coding change: c.2694C>T on transcript NM_000276.4 (MANE Select); coding-DNA position 2694, C replaced by T.
Protein change: p.Ser898=; no amino-acid change (serine 898 retained).
Molecular consequence: synonymous variant.
Genome position (GRCh38, 1-based): chrX:129,590,258, C>T. VCF-style: chrX-129590258-C-T. GRCh37 (hg19) VCF-style: chrX-128724235-C-T.
Other names: c.2697C>T, p.Ser899= (NM_001318784.2); c.2670C>T, p.Ser890= (NM_001587.4).
Identifiers: ClinVar variation 750447 (VCV000750447.13), dbSNP rs780742903, ClinGen allele CA10512416.

ClinVar aggregate classification (germline): Benign/Likely benign. Review status: criteria provided, multiple submitters, no conflicts (2 of 4 stars). 3 submissions from 3 submitters: Benign (1); Likely benign (1). 1 of the submissions does not count toward it. Last evaluated 2025-09-28.

Conditions:
OCRL-related disorder. Also called: OCRL-related condition.
Lowe syndrome (OCRL). Also called: Oculocerebrorenal Syndrome; LOWE OCULOCEREBRORENAL SYNDROME; PHOSPHATIDYLINOSITOL 4,5-BISPHOSPHATE 5-PHOSPHATASE DEFICIENCY. Identifiers: Orphanet 534, MedGen C0028860, MONDO:0010645, OMIM 309000.
Nephrolithiasis/nephrocalcinosis. Identifiers: MedGen CN580796.

Allele frequency attached by ClinVar (database versions not stated): ExAC 0.00002; TOPMed 0.00002; gnomAD exomes 0.00003 and 0.00013; gnomAD 0.00004 and 0.00006.
gnomAD v4.1: 148 of 1,208,925 alleles (0.012%); highest among the groups gnomAD compares: East Asian, 0.42%; no homozygotes.

Submissions (3):

Labcorp Genetics (formerly Invitae), Labcorp
Classification: Benign for Lowe syndrome. Last evaluated: 2025-09-28. Review status: criteria provided, single submitter. Criteria: Invitae Variant Classification Sherloc (09022015). Collection method: clinical testing. Allele origin: germline.

Ambry Genetics
Classification: Likely benign for Nephrolithiasis/nephrocalcinosis. Last evaluated: 2020-01-16. Review status: criteria provided, single submitter. Criteria: Ambry Variant Classification Scheme 2023. Collection method: clinical testing. Allele origin: germline.

PreventionGenetics, part of Exact Sciences
Classification: Likely benign for OCRL-related condition. Last evaluated: 2019-05-28. Review status: no assertion criteria provided. Collection method: clinical testing. Allele origin: germline. Not counted in ClinVar's aggregate classification.
Comment: This variant is classified as likely benign based on ACMG/AMP sequence variant interpretation guidelines (Richards et al. 2015 PMID: 25741868, with internal and published modifications).